The following is an entry in ClinVar:

ClinVar aggregate classification (germline): Conflicting classifications of pathogenicity. Review status: criteria provided, conflicting classifications (1 of 4 stars). 2 submissions from 2 submitters: Uncertain significance (1); Likely benign (1). Last evaluated 2025-06-24.

Allele frequency attached by ClinVar (database versions not stated): gnomAD exomes below 0.00001 and 0.00001; ExAC 0.00001; TOPMed 0.00001; gnomAD 0.00002 and 0.00003.
gnomAD v4.1: 8 of 1,614,060 alleles (0.0005%); highest among the groups gnomAD compares: African/African-American, 0.004%; no homozygotes.

Submissions (2):

Labcorp Genetics (formerly Invitae), Labcorp
Classification: Uncertain significance. Last evaluated: 2025-06-24. Review status: criteria provided, single submitter. Criteria: Invitae Variant Classification Sherloc (09022015). Collection method: clinical testing. Allele origin: germline.
Comment: This sequence change replaces glutamic acid, which is acidic and polar, with lysine, which is basic and polar, at codon 1321 of the COL2A1 protein (p.Glu1321Lys). This variant is present in population databases (rs748248022, gnomAD 0.003%). This missense change has been observed in individual(s) with COL2A1-related conditions (PMID: 32562694). ClinVar contains an entry for this variant (Variation ID: 281354). Invitae Evidence Modeling of protein sequence and biophysical properties (such as structural, functional, and spatial information, amino acid conservation, physicochemical variation, residue mobility, and thermodynamic stability) has been performed for this missense variant. However, the output from this modeling did not meet the statistical confidence thresholds required to predict the impact of this variant on COL2A1 protein function. In summary, the available evidence is currently insufficient to determine the role of this variant in disease. Therefore, it has been classified as a Variant of Uncertain Significance.

Eurofins Ntd Llc (ga)
Classification: Likely benign. Last evaluated: 2015-12-07. Review status: criteria provided, single submitter. Criteria: EGL Classification Definitions 2015. Collection method: clinical testing. Allele origin: germline. Observed: 6 variant alleles, 4 heterozygotes, 2 homozygotes.

Literature cited by the submitters: PubMed 32562694 (cited by Labcorp Genetics (formerly Invitae), Labcorp).

NM_001844.5(COL2A1):c.3961G>A (p.Glu1321Lys)

Gene: COL2A1 (collagen type II alpha 1 chain; minus strand). Cytogenetic location: 12q13.11.
Variant type: single nucleotide variant.
Coding change: c.3961G>A on transcript NM_001844.5 (MANE Select); coding-DNA position 3961, G replaced by A.
Protein change: p.Glu1321Lys; replaces glutamic acid 1321 with lysine.
Molecular consequence: missense variant.
Genome position (GRCh38, 1-based): chr12:47,974,788, C>T on the plus strand (G>A on the coding strand, the complement: COL2A1 is on the minus strand). VCF-style: chr12-47974788-C-T. GRCh37 (hg19) VCF-style: chr12-48368571-C-T.
Other names: c.3754G>A, p.Glu1252Lys (NM_033150.3); short protein forms E1321K, E1252K.
Identifiers: ClinVar variation 281354 (VCV000281354.12), dbSNP rs748248022, ClinGen allele CA6534590.